The following is an entry in ClinVar:

NM_006514.4(SCN10A):c.808G>A (p.Gly270Ser)

Gene: SCN10A (sodium voltage-gated channel alpha subunit 10; minus strand). Cytogenetic location: 3p22.2.
Variant type: single nucleotide variant.
Coding change: c.808G>A on transcript NM_006514.4 (MANE Select); coding-DNA position 808, G replaced by A.
Protein change: p.Gly270Ser; replaces glycine 270 with serine.
Molecular consequence: missense variant.
Genome position (GRCh38, 1-based): chr3:38,761,267, C>T on the plus strand (G>A on the coding strand, the complement: SCN10A is on the minus strand). VCF-style: chr3-38761267-C-T. GRCh37 (hg19) VCF-style: chr3-38802758-C-T.
Other names: c.808G>A, p.Gly270Ser (NM_001293306.2, NM_001293307.2); short protein forms G270S.
Identifiers: ClinVar variation 4729776 (VCV004729776.1).

ClinVar aggregate classification (germline): Uncertain significance (1 of 4 stars; one submission).

Conditions:
Brugada syndrome. Also called: Sudden unexpected nocturnal death syndrome; Sudden unexplained nocturnal death syndrome; Sudden Unexplained Death Syndrome; Sudden Unexplained Nocturnal Death Syndrome (SUNDS). Identifiers: Orphanet 130, MedGen C1142166, MONDO:0015263.

gnomAD v4.1: 2 of 1,613,710 alleles (0.00012%); highest among the groups gnomAD compares: African/African-American, 0.0013%; no homozygotes.

Submission:

Labcorp Genetics (formerly Invitae), Labcorp
Classification: Uncertain significance for Brugada syndrome. Last evaluated: 2025-10-13. Review status: criteria provided, single submitter. Criteria: Invitae Variant Classification Sherloc (09022015). Collection method: clinical testing. Allele origin: germline.
Comment: This sequence change replaces glycine, which is neutral and non-polar, with serine, which is neutral and polar, at codon 270 of the SCN10A protein (p.Gly270Ser). This variant is not present in population databases (gnomAD no frequency). This variant has not been reported in the literature in individuals affected with SCN10A-related conditions. Invitae Evidence Modeling of protein sequence and biophysical properties (such as structural, functional, and spatial information, amino acid conservation, physicochemical variation, residue mobility, and thermodynamic stability) indicates that this missense variant is expected to disrupt SCN10A protein function with a positive predictive value of 80%. In summary, the available evidence is currently insufficient to determine the role of this variant in disease. Therefore, it has been classified as a Variant of Uncertain Significance.